The following is an entry in ClinVar:

NM_177438.3(DICER1):c.4982A>T (p.His1661Leu)

Gene: DICER1 (dicer 1, ribonuclease III; minus strand). Cytogenetic location: 14q32.13.
Variant type: single nucleotide variant.
Coding change: c.4982A>T on transcript NM_177438.3 (MANE Select); coding-DNA position 4982, A replaced by T.
Protein change: p.His1661Leu; replaces histidine 1661 with leucine.
Molecular consequence: missense variant. On other transcripts: non-coding transcript variant (6).
Genome position (GRCh38, 1-based): chr14:95,095,938, T>A on the plus strand (A>T on the coding strand, the complement: DICER1 is on the minus strand). VCF-style: chr14-95095938-T-A. GRCh37 (hg19) VCF-style: chr14-95562275-T-A.
Other names: c.4982A>T, p.His1661Leu (NM_001395692.1, NM_001395693.1, NM_001395694.1 and 12 more transcripts); c.4577A>T, p.His1526Leu (NM_001395696.1, NM_001395687.1, NM_001395688.1 and 2 more transcripts); c.3299A>T, p.His1100Leu (NM_001395697.1); c.4700A>T, p.His1567Leu (NM_001395686.1); c.4415A>T, p.His1472Leu (NM_001395691.1); short protein forms H1526L, H1567L, H1100L, H1472L, H1661L.
Identifiers: ClinVar variation 5035331 (VCV005035331.1).

ClinVar aggregate classification (germline): Uncertain significance (1 of 4 stars; one submission).

Conditions:
Hereditary cancer-predisposing syndrome. Also called: Hereditary Cancer Syndrome; Neoplastic Syndromes, Hereditary; Tumor predisposition; Hereditary neoplastic syndrome. Identifiers: Orphanet 140162, MedGen C0027672, MeSH D009386, MONDO:0015356.

Submission:

Ambry Genetics
Classification: Uncertain significance for Hereditary cancer-predisposing syndrome. Last evaluated: 2026-08-31. Review status: criteria provided, single submitter. Criteria: Ambry Variant Classification Scheme 2023. Collection method: clinical testing. Allele origin: germline.
Comment: The p.H1661L variant (also known as c.4982A>T), located in coding exon 22 of the DICER1 gene, results from an A to T substitution at nucleotide position 4982. The histidine at codon 1661 is replaced by leucine, an amino acid with similar properties. This amino acid position is conserved. In addition, this alteration is predicted to be deleterious by in silico analysis. Based on the available evidence, the clinical significance of this variant remains unclear.